The following is an entry in ClinVar:

ClinVar aggregate classification (germline): Likely benign (1 of 4 stars; one submission).

gnomAD v4.1: 1 of 1,607,602 alleles (0.000062%); no homozygotes.

Submission:

CeGaT Center for Human Genetics Tuebingen
Classification: Likely benign. Last evaluated: 2026-03-01. Review status: criteria provided, single submitter. Criteria: CeGaT Center For Human Genetics Tuebingen Variant Classification Criteria Version 2. Collection method: clinical testing. Allele origin: germline. Affected: yes. Observed: 1 variant allele.
Comment: DIAPH1: BP4, BP7

NM_005219.5(DIAPH1):c.3213T>G (p.Arg1071=)

Gene: DIAPH1 (diaphanous related formin 1; minus strand). Cytogenetic location: 5q31.3.
Variant type: single nucleotide variant.
Coding change: c.3213T>G on transcript NM_005219.5 (MANE Select); coding-DNA position 3213, T replaced by G.
Protein change: p.Arg1071=; no amino-acid change (arginine 1071 retained).
Molecular consequence: synonymous variant.
Genome position (GRCh38, 1-based): chr5:141,527,633, A>C on the plus strand (T>G on the coding strand, the complement: DIAPH1 is on the minus strand). VCF-style: chr5-141527633-A-C. GRCh37 (hg19) VCF-style: chr5-140907200-A-C.
Other names: c.3186T>G, p.Arg1062= (NM_001079812.3); c.3213T>G, p.Arg1071= (NM_001314007.2).
Identifiers: ClinVar variation 4823691 (VCV004823691.4).